The following is an entry in ClinVar:

ClinVar aggregate classification (germline): Uncertain significance (1 of 4 stars; one submission).

Submission:

Labcorp Genetics (formerly Invitae), Labcorp
Classification: Uncertain significance. Last evaluated: 2025-07-21. Review status: criteria provided, single submitter. Criteria: Invitae Variant Classification Sherloc (09022015). Collection method: clinical testing. Allele origin: germline.
Comment: This sequence change replaces methionine, which is neutral and non-polar, with valine, which is neutral and non-polar, at codon 1033 of the SON protein (p.Met1033Val). This variant is present in population databases (rs779969609, gnomAD 0.003%). This variant has not been reported in the literature in individuals affected with SON-related conditions. ClinVar contains an entry for this variant (Variation ID: 3679279). An algorithm developed to predict the effect of missense changes on protein structure and function (PolyPhen-2) suggests that this variant is likely to be disruptive. In summary, the available evidence is currently insufficient to determine the role of this variant in disease. Therefore, it has been classified as a Variant of Uncertain Significance.

NM_138927.4(SON):c.3097A>G (p.Met1033Val)

Gene: SON (SON DNA and RNA binding protein; plus strand). Cytogenetic location: 21q22.11.
Variant type: single nucleotide variant.
Coding change: c.3097A>G on transcript NM_138927.4 (MANE Select); coding-DNA position 3097, A replaced by G.
Protein change: p.Met1033Val; replaces methionine 1033 with valine.
Molecular consequence: missense variant. On other transcripts: non-coding transcript variant (1), intron variant (1).
Genome position (GRCh38, 1-based): chr21:33,552,328, A>G. VCF-style: chr21-33552328-A-G. GRCh37 (hg19) VCF-style: chr21-34924634-A-G.
Other names: c.3097A>G, p.Met1033Val (NM_001291411.2, NM_032195.3); c.245-4828A>G (NM_001291412.3); short protein forms M1033V.
Identifiers: ClinVar variation 3679279 (VCV003679279.2).